The following is an entry in ClinVar:

NM_000321.3(RB1):c.2347C>T (p.Pro783Ser)

Gene: RB1 (RB transcriptional corepressor 1; plus strand). Cytogenetic location: 13q14.2.
Variant type: single nucleotide variant.
Coding change: c.2347C>T on transcript NM_000321.3 (MANE Select); coding-DNA position 2347, C replaced by T.
Protein change: p.Pro783Ser; replaces proline 783 with serine.
Molecular consequence: missense variant.
Genome position (GRCh38, 1-based): chr13:48,465,226, C>T. VCF-style: chr13-48465226-C-T. GRCh37 (hg19) VCF-style: chr13-49039362-C-T.
Other names: c.2347C>T, p.Pro783Ser (NM_001407165.1); short protein forms P783S.
Identifiers: ClinVar variation 3703726 (VCV003703726.4).

ClinVar aggregate classification (germline): Uncertain significance. Review status: criteria provided, multiple submitters, no conflicts (2 of 4 stars). 3 submissions from 3 submitters: Uncertain significance (3). Last evaluated 2026-07-02.

Conditions:
Hereditary cancer-predisposing syndrome. Also called: Tumor predisposition; Hereditary neoplastic syndrome; Hereditary Cancer Syndrome; Neoplastic Syndromes, Hereditary. Identifiers: Orphanet 140162, MedGen C0027672, MeSH D009386, MONDO:0015356.
Retinoblastoma (RB1). Also called: RETINOBLASTOMA, SOMATIC. Identifiers: Orphanet 790, MedGen C0035335, MeSH D012175, MONDO:0008380, OMIM 180200, HP:0009919. Disease mechanism: loss of function. Inheritance: Both sporadic and heritable forms are tested..

Submissions (3):

Ambry Genetics
Classification: Uncertain significance for Hereditary cancer-predisposing syndrome. Last evaluated: 2026-07-02. Review status: criteria provided, single submitter. Criteria: Ambry Variant Classification Scheme 2023. Collection method: clinical testing. Allele origin: germline.
Comment: The p.P783S variant (also known as c.2347C>T), located in coding exon 23 of the RB1 gene, results from a C to T substitution at nucleotide position 2347. The proline at codon 783 is replaced by serine, an amino acid with similar properties. This amino acid position is conserved. In addition, this alteration is predicted to be deleterious by in silico analysis. Based on the available evidence, the clinical significance of this variant remains unclear.

Color Diagnostics, LLC DBA Color Health
Classification: Uncertain significance for Retinoblastoma. Last evaluated: 2025-06-09. Review status: criteria provided, single submitter. Criteria: ACMG Guidelines, 2015. Collection method: clinical testing. Allele origin: germline.
Comment: This missense variant replaces proline with serine at codon 783 of the RB1 protein. Computational prediction suggests that this variant may have deleterious impact on protein structure and function. To our knowledge, functional studies have not been reported for this variant. This variant has not been reported in individuals affected with RB1-related disorders in the literature. This variant has not been identified in the general population by the Genome Aggregation Database (gnomAD). The available evidence is insufficient to determine the role of this variant in disease conclusively. Therefore, this variant is classified as a Variant of Uncertain Significance.

Labcorp Genetics (formerly Invitae), Labcorp
Classification: Uncertain significance for Retinoblastoma. Last evaluated: 2024-02-26. Review status: criteria provided, single submitter. Criteria: Invitae Variant Classification Sherloc (09022015). Collection method: clinical testing. Allele origin: germline.
Comment: This sequence change replaces proline, which is neutral and non-polar, with serine, which is neutral and polar, at codon 783 of the RB1 protein (p.Pro783Ser). This variant is not present in population databases (gnomAD no frequency). This variant has not been reported in the literature in individuals affected with RB1-related conditions. Advanced modeling of protein sequence and biophysical properties (such as structural, functional, and spatial information, amino acid conservation, physicochemical variation, residue mobility, and thermodynamic stability) performed at Invitae indicates that this missense variant is expected to disrupt RB1 protein function with a positive predictive value of 80%. In summary, the available evidence is currently insufficient to determine the role of this variant in disease. Therefore, it has been classified as a Variant of Uncertain Significance.